The following is an entry in ClinVar:

ClinVar aggregate classification (germline): Uncertain significance (1 of 4 stars; one submission).

Conditions:
Cardiovascular phenotype. Identifiers: MedGen CN230736.

Submission:

Molecular Diagnostic Laboratory for Inherited Cardiovascular Disease, Montreal Heart Institute
Classification: Uncertain significance for Cardiovascular phenotype. Last evaluated: 2025-04-09. Review status: criteria provided, single submitter. Criteria: ACMG Guidelines, 2015. Collection method: clinical testing. Allele origin: germline. Affected: yes.
Comment: PM2, PP2, BP4

NM_170707.4(LMNA):c.391C>G (p.Gln131Glu)

Genes: LMNA (lamin A/C; plus strand), LOC126805877 (MED14-independent group 3 enhancer GRCh37_chr1:156099693-156100892; plus strand). Cytogenetic location: 1q22.
Variant type: single nucleotide variant.
Coding change: c.391C>G on transcript NM_170707.4 (MANE Select); coding-DNA position 391, C replaced by G.
Protein change: p.Gln131Glu; replaces glutamine 131 with glutamic acid.
Molecular consequence: missense variant. On other transcripts: 5 prime UTR variant (7), intron variant (4).
Genome position (GRCh38, 1-based): chr1:156,130,651, C>G. VCF-style: chr1-156130651-C-G. GRCh37 (hg19) VCF-style: chr1-156100442-C-G.
Other names: c.55C>G, p.Gln19Glu (NM_001257374.3, NM_001406989.1, NM_001406998.1); c.148C>G, p.Gln50Glu (NM_001282624.2, NM_001406986.1, NM_001406987.1); c.391C>G, p.Gln131Glu (NM_001282625.2, NM_001282626.2, NM_001406983.1 and 6 more transcripts); c.94C>G, p.Gln32Glu (NM_001406988.1); c.-168C>G (NM_001406993.1, NM_001406996.1, NM_001406997.1 and 1 more transcripts); c.-274C>G (NM_001406994.1, NM_001406999.1, NM_001407000.1); c.-45-3752C>G (NM_001407002.1, NM_001406995.1, NM_001406990.1); c.-151-3752C>G (NM_001407001.1); short protein forms Q131E, Q19E, Q32E, Q50E.
Identifiers: ClinVar variation 3895123 (VCV003895123.1).